The following is an entry in ClinVar:

ClinVar aggregate classification (germline): Benign (1 of 4 stars; one submission).

Allele frequency attached by ClinVar (database versions not stated): 1000 Genomes Project 30x 0.39413; 1000 Genomes Project 0.39736; TOPMed 0.42231; ESP Exome Variant Server 0.43434.
gnomAD v4.1: 608,190 of 1,379,098 alleles (44%); highest among the groups gnomAD compares: Middle Eastern, 50%; 136,165 homozygotes.

Submission:

Unidad de Genómica Garrahan, Hospital de Pediatría Garrahan
Classification: Benign. Last evaluated: 2024-01-24. Review status: criteria provided, single submitter. Criteria: ACMG Guidelines, 2015. Collection method: clinical testing. Allele origin: germline. Affected: no. Observed: 58 variant alleles.
Comment: This variant is classified as Benign based on local population frequency. This variant was detected in 61% of patients studied by a panel of primary immunodeficiencies. Number of patients: 58. Only high quality variants are reported.

NM_017553.3(INO80):c.3274+34G>C

Genes: INO80 (INO80 complex ATPase subunit; minus strand), INO80-AS1 (INO80 antisense RNA 1; plus strand). Cytogenetic location: 15q15.1.
Variant type: single nucleotide variant.
Coding change: c.3274+34G>C on transcript NM_017553.3 (MANE Select); 34 bases into the intron after coding-DNA position 3274, G replaced by C.
Molecular consequence: intron variant.
Genome position (GRCh38, 1-based): chr15:41,020,866, C>G on the plus strand (G>C on the coding strand, the complement: INO80 is on the minus strand). VCF-style: chr15-41020866-C-G. GRCh37 (hg19) VCF-style: chr15-41313064-C-G.
Identifiers: ClinVar variation 2688066 (VCV002688066.2), dbSNP rs3214068, ClinGen allele CA7488781.